The following is an entry in ClinVar:

ClinVar aggregate classification (germline): Pathogenic. Review status: criteria provided, single submitter (1 of 4 stars). 2 submissions from 2 submitters: Pathogenic (1). 1 of the submissions does not count toward it. Last evaluated 2021-08-23.

Conditions:
Pulmonary hypertension, primary, 1 (PPH1). Also called: Pulmonary hypertension, familial primary, 1, with or without HHT. Identifiers: Orphanet 422, MedGen C4552070, MONDO:0024533, OMIM 178600.
Primary pulmonary hypertension. Also called: Idiopathic pulmonary hypertension. Identifiers: MedGen C0152171.

Submissions (2):

Labcorp Genetics (formerly Invitae), Labcorp
Classification: Pathogenic for Primary pulmonary hypertension. Last evaluated: 2021-08-23. Review status: criteria provided, single submitter. Criteria: Invitae Variant Classification Sherloc (09022015). Collection method: clinical testing. Allele origin: germline.
Comment: For these reasons, this variant has been classified as Pathogenic. Loss-of-function variants in BMPR2 are known to be pathogenic (PMID: 16429395). This variant has been observed in individual(s) with pulmonary arterial hypertension (PMID: 19206171). ClinVar contains an entry for this variant (Variation ID: 425880). This variant is not present in population databases (ExAC no frequency). This sequence change creates a premature translational stop signal (p.Arg381Lysfs*18) in the BMPR2 gene. It is expected to result in an absent or disrupted protein product.

Rare Disease Genomics Group, St George's University of London
Classification: Pathogenic for Primary pulmonary hypertension. Review status: no assertion criteria provided. Collection method: literature only. Allele origin: germline. Affected: yes. Not counted in ClinVar's aggregate classification.

Literature cited by the submitters: PubMed 16429395 (cited by Labcorp Genetics (formerly Invitae), Labcorp); PubMed 19206171 (cited by Labcorp Genetics (formerly Invitae), Labcorp and Rare Disease Genomics Group, St George's University of London); PubMed 26387786 (cited by Rare Disease Genomics Group, St George's University of London).

NM_001204.7(BMPR2):c.1141dup (p.Arg381fs)

Gene: BMPR2 (bone morphogenetic protein receptor type 2; plus strand). Cytogenetic location: 2q33.2.
Variant type: Duplication.
Coding change: c.1141dup on transcript NM_001204.7 (MANE Select); coding-DNA position 1141, one base duplicated (A; older notation c.1141dupA).
Protein change: p.Arg381fs; shifts the reading frame from arginine 381.
Molecular consequence: frameshift variant.
Genome position (GRCh38, 1-based): chr2:202,532,597, A duplicated. VCF-style (leftmost placement, unchanged base first): chr2-202532596-C-CA. GRCh37 (hg19) VCF-style: chr2-203397319-C-CA.
Other names: c.1141dup, p.R381Kfs*18 (LRG_712t1); c.1141dupA (NM_001204.6); short protein forms R381fs.
Identifiers: ClinVar variation 425880 (VCV000425880.9), dbSNP rs1085307303, ClinGen allele CA645293822.